The following is an entry in ClinVar:

NM_001375380.1(EBF3):c.934C>T (p.Arg312Ter)

Genes: EBF3 (EBF transcription factor 3; minus strand), EBF3-AS1 (EBF3 antisense RNA 1; plus strand). Cytogenetic location: 10q26.3.
Variant type: single nucleotide variant.
Coding change: c.934C>T on transcript NM_001375380.1 (MANE Select); coding-DNA position 934, C replaced by T.
Protein change: p.Arg312Ter; replaces arginine 312 with a stop codon.
Molecular consequence: nonsense.
Genome position (GRCh38, 1-based): chr10:129,867,246, G>A on the plus strand (C>T on the coding strand, the complement: EBF3 is on the minus strand). VCF-style: chr10-129867246-G-A. GRCh37 (hg19) VCF-style: chr10-131665510-G-A.
Other names: c.907C>T (NM_001005463.3); c.907C>T, p.Arg303Ter (NM_001005463.3, NM_001375390.1, NM_001375392.1); c.934C>T, p.Arg312Ter (NM_001375379.1, NM_001375389.1, NM_001375391.1); short protein forms R303*, R312*.
Identifiers: ClinVar variation 423864 (VCV000423864.14), dbSNP rs1064796669, ClinGen allele CA16618941.

ClinVar aggregate classification (germline): Pathogenic. Review status: criteria provided, multiple submitters, no conflicts (2 of 4 stars). 6 submissions from 6 submitters: Pathogenic (6). Last evaluated 2025-01-16.

Conditions:
Hypotonia, ataxia, and delayed development syndrome (HADDS). Also called: EBF3 Neurodevelopmental Disorder. Identifiers: Orphanet 658843, MedGen C4310618, MONDO:0015021, OMIM 617330.
Inborn genetic diseases. Identifiers: MedGen C0950123, MeSH D030342.

Allele frequency attached by ClinVar (database versions not stated): gnomAD exomes below 0.00001.
gnomAD v4.1: 2 of 1,614,062 alleles (0.00012%); highest among the groups gnomAD compares: Non-Finnish European, 0.000085%; no homozygotes.

Submissions (6):

Greenwood Genetic Center Diagnostic Laboratories, Greenwood Genetic Center
Classification: Pathogenic for Hypotonia, ataxia, and delayed development syndrome. Last evaluated: 2025-01-16. Review status: criteria provided, single submitter. Criteria: ACMG Guidelines, 2015. Collection method: clinical testing. Allele origin: germline. Affected: yes.
Comment: PVS1, PM2_Supporting, PM6

GeneDx
Classification: Pathogenic. Last evaluated: 2023-06-17. Review status: criteria provided, single submitter. Criteria: GeneDx Variant Classification Process June 2021. Collection method: clinical testing. Allele origin: germline. Affected: yes.
Comment: Nonsense variant predicted to result in protein truncation or nonsense mediated decay in a gene for which loss-of-function is a known mechanism of disease; Published functional studies demonstrate a damaging effect with mislocalization of the truncated EBF3 protein and significantly reduced transcriptional activation of a reporter gene (PMID: 28017373); Not observed in large population cohorts (gnomAD); This variant is associated with the following publications: (PMID: 28017373, 36937983)

Ambry Genetics
Classification: Pathogenic for Inborn genetic diseases. Last evaluated: 2023-05-17. Review status: criteria provided, single submitter. Criteria: Ambry Variant Classification Scheme 2023. Collection method: clinical testing. Allele origin: germline.
Comment: The c.907C>T (p.R303*) alteration, located in coding exon 10 of the EBF3 gene, consists of a C to T substitution at nucleotide position 907. This changes the amino acid from an arginine (R) to a stop codon at amino acid position 303. This alteration is expected to result in loss of function by premature protein truncation or nonsense-mediated mRNA decay. This variant was not reported in population-based cohorts in the Genome Aggregation Database (gnomAD). This variant was reported de novo in multiple individuals with features consistent with EBF3-related neurodevelopmental disorder (Harms, 2017; van der Veen, 2018). Based on the available evidence, this alteration is classified as pathogenic.

Institute of Medical Genetics and Applied Genomics, University Hospital Tübingen
Classification: Pathogenic. Last evaluated: 2021-02-01. Review status: criteria provided, single submitter. Criteria: ACMG Guidelines, 2015. Collection method: clinical testing. Allele origin: germline. Inheritance: Autosomal dominant inheritance. Affected: yes.

Broad Center for Mendelian Genomics, Broad Institute of MIT and Harvard
Classification: Pathogenic for Hypotonia, ataxia, and delayed development syndrome. Last evaluated: 2020-06-03. Review status: criteria provided, single submitter. Criteria: ACMG Guidelines, 2015. Collection method: curation. Allele origin: germline. Inheritance: Autosomal dominant inheritance.
Comment: Trio genome analysis showed this variant to be de novo. The p.Arg303Ter variant has also been reported in 1 individual of unknown ethnicity with hypotonia, ataxia, and delayed development syndrome (PMID: 28017373), and was absent from large population studies. This variant has also been reported in ClinVar (Variation ID: 423864) as pathogenic by GeneDx. In vitro functional studies provide some evidence that the variant may slightly impact protein function (PMID: 28017373). However, these types of assays may not accurately represent biological function. This nonsense variant leads to a premature termination codon at position 303, which is predicted to lead to a truncated or absent protein. Heterozygous loss of function of the EBF3 gene is strongly associated with hypotonia, ataxia, and delayed development syndrome. In summary, this variant meets criteria to be classified as pathogenic for hypotonia, ataxia, and delayed development syndrome in an autosomal dominant manner based on multiple de novo occurrences in affected individuals, absence of the variant from control populations, and the predicted LOF mechanism for this variant. ACMG/AMP Criteria applied: PS2, PM2, PVS1_strong, PS3_supporting , PS4_supporting (Richards 2015).

Revvity Omics, Revvity
Classification: Pathogenic for Hypotonia, ataxia, and delayed development syndrome. Last evaluated: 2019-07-12. Review status: criteria provided, single submitter. Criteria: ACMG Guidelines, 2015. Collection method: clinical testing. Allele origin: germline.

Literature cited by the submitters: PubMed 28017373 (cited by Ambry Genetics); PubMed 30145808 (cited by Ambry Genetics).